The following is an entry in ClinVar:

NM_001365999.1(SZT2):c.3978G>A (p.Ala1326=)

Gene: SZT2 (SZT2 subunit of KICSTOR complex; plus strand). Cytogenetic location: 1p34.2.
Variant type: single nucleotide variant.
Coding change: c.3978G>A on transcript NM_001365999.1 (MANE Select); coding-DNA position 3978, G replaced by A.
Protein change: p.Ala1326=; no amino-acid change (alanine 1326 retained).
Molecular consequence: synonymous variant.
Genome position (GRCh38, 1-based): chr1:43,428,298, G>A. VCF-style: chr1-43428298-G-A. GRCh37 (hg19) VCF-style: chr1-43893969-G-A.
Other names: c.3807G>A, p.Ala1269= (NM_015284.4).
Identifiers: ClinVar variation 1134091 (VCV001134091.13), dbSNP rs768548993, ClinGen allele CA809160.

ClinVar aggregate classification (germline): Likely benign. Review status: criteria provided, multiple submitters, no conflicts (2 of 4 stars). 4 submissions from 4 submitters: Likely benign (4). Last evaluated 2026-05-01.

Conditions:
Developmental and epileptic encephalopathy, 18 (DEE18). Also called: Early infantile epileptic encephalopathy 18. Identifiers: Orphanet 369894, MedGen C3809624, MONDO:0014201, OMIM 615476.
Inborn genetic diseases. Identifiers: MedGen C0950123, MeSH D030342.

Allele frequency attached by ClinVar (database versions not stated): ExAC 0.00001; gnomAD exomes 0.00001 and 0.00002; gnomAD 0.00002; TOPMed 0.00002.
gnomAD v4.1: 16 of 1,614,022 alleles (0.00099%); highest among the groups gnomAD compares: African/African-American, 0.0053%; no homozygotes.

Submissions (4):

CeGaT Center for Human Genetics Tuebingen
Classification: Likely benign. Last evaluated: 2026-05-01. Review status: criteria provided, single submitter. Criteria: CeGaT Center For Human Genetics Tuebingen Variant Classification Criteria Version 2. Collection method: clinical testing. Allele origin: germline. Affected: yes. Observed: 1 variant allele.
Comment: SZT2: BP4, BP7

Genome-Nilou Lab
Classification: Likely benign for Developmental and epileptic encephalopathy, 18. Last evaluated: 2023-04-11. Review status: criteria provided, single submitter. Criteria: ACMG Guidelines, 2015. Collection method: clinical testing. Allele origin: germline. Affected: no.

Labcorp Genetics (formerly Invitae), Labcorp
Classification: Likely benign. Last evaluated: 2022-09-06. Review status: criteria provided, single submitter. Criteria: Invitae Variant Classification Sherloc (09022015). Collection method: clinical testing. Allele origin: germline.

Ambry Genetics
Classification: Likely benign for Inborn genetic diseases. Last evaluated: 2017-12-28. Review status: criteria provided, single submitter. Criteria: Ambry Variant Classification Scheme 2023. Collection method: clinical testing. Allele origin: germline.